The following is an entry in ClinVar:

ClinVar aggregate classification (germline): Uncertain significance (1 of 4 stars; one submission).

Conditions:
Hereditary cancer-predisposing syndrome. Also called: Hereditary neoplastic syndrome; Hereditary Cancer Syndrome; Neoplastic Syndromes, Hereditary; Tumor predisposition. Identifiers: Orphanet 140162, MedGen C0027672, MeSH D009386, MONDO:0015356.

Submission:

Color Diagnostics, LLC DBA Color Health
Classification: Uncertain significance for Hereditary cancer-predisposing syndrome. Last evaluated: 2023-03-09. Review status: criteria provided, single submitter. Criteria: ACMG Guidelines, 2015. Collection method: clinical testing. Allele origin: germline.
Comment: This missense variant replaces proline with serine at codon 2339 of the APC protein. Computational prediction suggests that this variant may not impact protein structure and function (internally defined REVEL score threshold <= 0.5, PMID: 27666373). To our knowledge, functional studies have not been reported for this variant. This variant has not been reported in individuals affected with APC-related disorders in the literature. This variant has not been identified in the general population by the Genome Aggregation Database (gnomAD). The available evidence is insufficient to determine the role of this variant in disease conclusively. Therefore, this variant is classified as a Variant of Uncertain Significance.

NM_000038.6(APC):c.7015C>T (p.Pro2339Ser)

Gene: APC (APC regulator of Wnt signaling pathway; plus strand). Cytogenetic location: 5q22.2.
Variant type: single nucleotide variant.
Coding change: c.7015C>T on transcript NM_000038.6 (MANE Select); coding-DNA position 7015, C replaced by T.
Protein change: p.Pro2339Ser; replaces proline 2339 with serine.
Molecular consequence: missense variant. On other transcripts: non-coding transcript variant (2).
Genome position (GRCh38, 1-based): chr5:112,842,609, C>T. VCF-style: chr5-112842609-C-T. GRCh37 (hg19) VCF-style: chr5-112178306-C-T.
Other names: c.7015C>T, p.Pro2339Ser (NM_001127510.3, NM_001354895.2, NM_001407450.1); c.6961C>T, p.Pro2321Ser (NM_001127511.3); c.7069C>T, p.Pro2357Ser (NM_001354896.2, NM_001407447.1, NM_001407448.1 and 1 more transcripts); c.7045C>T, p.Pro2349Ser (NM_001354897.2); c.6940C>T, p.Pro2314Ser (NM_001354898.2); c.6931C>T, p.Pro2311Ser (NM_001354899.2); c.6892C>T, p.Pro2298Ser (NM_001354900.2); c.6838C>T, p.Pro2280Ser (NM_001354901.2, NM_001407453.1); and 11 more; short protein forms P2179S, P2210S, P2248S, P2280S, P2311S, P2321S, P1955S, P2056S.
Identifiers: ClinVar variation 2773599 (VCV002773599.2), dbSNP rs1451997084, ClinGen allele CA16036624.
Genomic context (GRCh38, chr5:112,842,609, plus strand): 5'-AGACCTATACAGTCTCCTGGCCGAAACTCAATTTCCCCTGGTAGAAATGGAATAAGTCCT[C>T]CTAACAAATTATCTCAACTTCCAAGGACATCATCCCCTAGTACTGCTTCAACTAAGTCCT-3'
Protein context (NP_000029.2, residues 2329-2349): ISPGRNGISP[Pro2339Ser]NKLSQLPRTS